The following is an entry in ClinVar:

NM_000465.4(BARD1):c.2221G>A (p.Asp741Asn)

Gene: BARD1 (BRCA1 associated RING domain 1; minus strand). Cytogenetic location: 2q35.
Variant type: single nucleotide variant.
Coding change: c.2221G>A on transcript NM_000465.4 (MANE Select); coding-DNA position 2221, G replaced by A.
Protein change: p.Asp741Asn; replaces aspartic acid 741 with asparagine.
Molecular consequence: missense variant. On other transcripts: non-coding transcript variant (3).
Genome position (GRCh38, 1-based): chr2:214,728,789, C>T on the plus strand (G>A on the coding strand, the complement: BARD1 is on the minus strand). VCF-style: chr2-214728789-C-T. GRCh37 (hg19) VCF-style: chr2-215593513-C-T.
Other names: c.2164G>A, p.Asp722Asn (NM_001282543.2); c.868G>A, p.Asp290Asn (NM_001282545.2); c.811G>A, p.Asp271Asn (NM_001282548.2); c.682G>A, p.Asp228Asn (NM_001282549.2); short protein forms D228N, D271N, D290N, D722N, D741N.
Identifiers: ClinVar variation 1714823 (VCV001714823.5), dbSNP rs587780029, ClinGen allele CA350450136.

ClinVar aggregate classification (germline): Uncertain significance (1 of 4 stars; one submission).

Conditions:
Familial cancer of breast. Also called: Hereditary breast cancer; BREAST CANCER, FAMILIAL; hereditary breast carcinoma. Identifiers: Orphanet 227535, MedGen C0346153, MONDO:0016419, OMIM 114480. Disease mechanism: loss of function.

Submission:

Labcorp Genetics (formerly Invitae), Labcorp
Classification: Uncertain significance for Familial cancer of breast. Last evaluated: 2022-07-15. Review status: criteria provided, single submitter. Criteria: Invitae Variant Classification Sherloc (09022015). Collection method: clinical testing. Allele origin: germline.
Comment: In summary, the available evidence is currently insufficient to determine the role of this variant in disease. Therefore, it has been classified as a Variant of Uncertain Significance. Algorithms developed to predict the effect of missense changes on protein structure and function (SIFT, PolyPhen-2, Align-GVGD) all suggest that this variant is likely to be tolerated. This variant has not been reported in the literature in individuals affected with BARD1-related conditions. This variant is not present in population databases (gnomAD no frequency). This sequence change replaces aspartic acid, which is acidic and polar, with asparagine, which is neutral and polar, at codon 741 of the BARD1 protein (p.Asp741Asn).